The following is an entry in ClinVar:

ClinVar aggregate classification (germline): Likely benign (0 of 4 stars; one submission).

Conditions:
THADA-related disorder. Also called: THADA-related condition.

Allele frequency attached by ClinVar (database versions not stated): TOPMed 0.00001; gnomAD 0.00003; ExAC 0.00005.
gnomAD v4.1: 37 of 1,613,672 alleles (0.0023%); highest among the groups gnomAD compares: South Asian, 0.025%; no homozygotes.

Submission:

PreventionGenetics, part of Exact Sciences
Classification: Likely benign for THADA-related condition. Last evaluated: 2019-08-09. Review status: no assertion criteria provided. Collection method: clinical testing. Allele origin: germline.
Comment: This variant is classified as likely benign based on ACMG/AMP sequence variant interpretation guidelines (Richards et al. 2015 PMID: 25741868, with internal and published modifications).

NM_022065.5(THADA):c.216T>C (p.Asp72=)

Gene: THADA (THADA armadillo repeat containing; minus strand). Cytogenetic location: 2p21.
Variant type: single nucleotide variant.
Coding change: c.216T>C on transcript NM_022065.5 (MANE Select); coding-DNA position 216, T replaced by C.
Protein change: p.Asp72=; no amino-acid change (aspartic acid 72 retained).
Molecular consequence: synonymous variant. On other transcripts: non-coding transcript variant (2).
Genome position (GRCh38, 1-based): chr2:43,590,910, A>G on the plus strand (T>C on the coding strand, the complement: THADA is on the minus strand). VCF-style: chr2-43590910-A-G. GRCh37 (hg19) VCF-style: chr2-43818049-A-G.
Other names: c.216T>C, p.Asp72= (NM_001083953.2, NM_001271643.2, NM_001271644.2 and 3 more transcripts); c.-647T>C (NM_198554.1).
Identifiers: ClinVar variation 3034864 (VCV003034864.2), dbSNP rs750254692, ClinGen allele CA1633717.
Genomic context (GRCh38, chr2:43,590,910, plus strand): 5'-CTTTAGACTCAAAGAAAGATAAATGCCTGCTAAGATATCCAAACAACTTTGAATAGTGGG[A>G]TCACACATGCCATTTTTATCTGCTTTCTCCAGCAGAGGCACAATCTATAATACAAAACAT-3'
Protein context (NP_071348.3, residues 62-82): LEKADKNGMC[Asp72=]PTIQSCLDIL